The following is an entry in ClinVar:

NM_000057.4(BLM):c.994G>C (p.Glu332Gln)

Gene: BLM (BLM RecQ like helicase; plus strand). Cytogenetic location: 15q26.1.
Variant type: single nucleotide variant.
Coding change: c.994G>C on transcript NM_000057.4 (MANE Select); coding-DNA position 994, G replaced by C.
Protein change: p.Glu332Gln; replaces glutamic acid 332 with glutamine.
Molecular consequence: missense variant. On other transcripts: 5 prime UTR variant (1).
Genome position (GRCh38, 1-based): chr15:90,754,845, G>C. VCF-style: chr15-90754845-G-C. GRCh37 (hg19) VCF-style: chr15-91298075-G-C.
Other names: c.994G>C, p.Glu332Gln (NM_001287246.2, NM_001287247.2); c.-298G>C (NM_001287248.2); short protein forms E332Q.
Identifiers: ClinVar variation 823581 (VCV000823581.9), dbSNP rs1596223780, ClinGen allele CA393842054.

ClinVar aggregate classification (germline): Uncertain significance. Review status: criteria provided, multiple submitters, no conflicts (2 of 4 stars). 2 submissions from 2 submitters: Uncertain significance (2). Last evaluated 2022-04-19.

Conditions:
Hereditary cancer-predisposing syndrome. Also called: Neoplastic Syndromes, Hereditary; Tumor predisposition; Hereditary neoplastic syndrome; Hereditary Cancer Syndrome. Identifiers: Orphanet 140162, MedGen C0027672, MeSH D009386, MONDO:0015356.
Bloom syndrome (BLM). Also called: Bloom-Torre-Machacek syndrome. Identifiers: Orphanet 125, MedGen C0005859, MONDO:0008876, OMIM 210900.

Submissions (2):

Labcorp Genetics (formerly Invitae), Labcorp
Classification: Uncertain significance for Bloom syndrome. Last evaluated: 2022-04-19. Review status: criteria provided, single submitter. Criteria: Invitae Variant Classification Sherloc (09022015). Collection method: clinical testing. Allele origin: germline.
Comment: In summary, the available evidence is currently insufficient to determine the role of this variant in disease. Therefore, it has been classified as a Variant of Uncertain Significance. Algorithms developed to predict the effect of missense changes on protein structure and function (SIFT, PolyPhen-2, Align-GVGD) all suggest that this variant is likely to be tolerated. ClinVar contains an entry for this variant (Variation ID: 823581). This variant has not been reported in the literature in individuals affected with BLM-related conditions. This variant is not present in population databases (gnomAD no frequency). This sequence change replaces glutamic acid, which is acidic and polar, with glutamine, which is neutral and polar, at codon 332 of the BLM protein (p.Glu332Gln).

Ambry Genetics
Classification: Uncertain significance for Hereditary cancer-predisposing syndrome. Last evaluated: 2018-11-12. Review status: criteria provided, single submitter. Criteria: Ambry Variant Classification Scheme 2023. Collection method: clinical testing. Allele origin: germline.
Comment: The p.E332Q variant (also known as c.994G>C), located in coding exon 4 of the BLM gene, results from a G to C substitution at nucleotide position 994. The glutamic acid at codon 332 is replaced by glutamine, an amino acid with highly similar properties. This amino acid position is poorly conserved in available vertebrate species. In addition, this alteration is predicted to be tolerated by in silico analysis. Since supporting evidence is limited at this time, the clinical significance of this alteration remains unclear.